The following is an entry in ClinVar:

ClinVar aggregate classification (germline): Conflicting classifications of pathogenicity. Review status: criteria provided, conflicting classifications (1 of 4 stars). 4 submissions from 4 submitters: Uncertain significance (1); Likely benign (3). Last evaluated 2026-01-11.

Conditions:
Tumor predisposition syndrome 3 (TPDS3). Also called: Melanoma, cutaneous malignant, susceptibility to, 10; Glioma susceptibility 9; LONG TELOMERE SYNDROME, POT1-RELATED; POT1 Tumor Predisposition. Identifiers: Orphanet 618, MedGen C4014476, MONDO:0014368, OMIM 615848.
Hereditary cancer-predisposing syndrome. Also called: Hereditary neoplastic syndrome; Neoplastic Syndromes, Hereditary; Hereditary Cancer Syndrome; Tumor predisposition. Identifiers: Orphanet 140162, MedGen C0027672, MeSH D009386, MONDO:0015356.

Allele frequency attached by ClinVar (database versions not stated): gnomAD 0.00001 and 0.00004; TOPMed 0.00001; gnomAD exomes 0.00006 and 0.00012; ExAC 0.00014; 1000 Genomes Project 30x 0.00062; 1000 Genomes Project 0.00080.
gnomAD v4.1: 93 of 1,607,916 alleles (0.0058%); highest among the groups gnomAD compares: South Asian, 0.075%; 1 homozygote.

Submissions (4):

Labcorp Genetics (formerly Invitae), Labcorp
Classification: Likely benign for Tumor predisposition syndrome 3. Last evaluated: 2026-01-11. Review status: criteria provided, single submitter. Criteria: Invitae Variant Classification Sherloc (09022015). Collection method: clinical testing. Allele origin: germline.

CeGaT Center for Human Genetics Tuebingen
Classification: Likely benign. Last evaluated: 2025-09-01. Review status: criteria provided, single submitter. Criteria: CeGaT Center For Human Genetics Tuebingen Variant Classification Criteria Version 2. Collection method: clinical testing. Allele origin: germline. Affected: yes. Observed: 1 variant allele.
Comment: POT1: BP4

Ambry Genetics
Classification: Likely benign for Hereditary cancer-predisposing syndrome. Last evaluated: 2019-05-28. Review status: criteria provided, single submitter. Criteria: Ambry Variant Classification Scheme 2023. Collection method: clinical testing. Allele origin: germline.

Genetic Services Laboratory, University of Chicago
Classification: Uncertain significance. Last evaluated: 2018-05-11. Review status: criteria provided, single submitter. Criteria: ACMG Guidelines, 2015. Collection method: clinical testing. Allele origin: germline. Affected: no.

NM_015450.3(POT1):c.862C>T (p.Leu288=)

Gene: POT1 (protection of telomeres 1; minus strand). Cytogenetic location: 7q31.33.
Variant type: single nucleotide variant.
Coding change: c.862C>T on transcript NM_015450.3 (MANE Select); coding-DNA position 862, C replaced by T.
Protein change: p.Leu288=; no amino-acid change (leucine 288 retained).
Molecular consequence: synonymous variant. On other transcripts: non-coding transcript variant (3).
Genome position (GRCh38, 1-based): chr7:124,852,979, G>A on the plus strand (C>T on the coding strand, the complement: POT1 is on the minus strand). VCF-style: chr7-124852979-G-A. GRCh37 (hg19) VCF-style: chr7-124493033-G-A.
Other names: c.469C>T, p.Leu157= (NM_001042594.2).
Identifiers: ClinVar variation 773970 (VCV000773970.25), dbSNP rs199583149, ClinGen allele CA4465344.